The following is an entry in ClinVar:

ClinVar aggregate classification (germline): Conflicting classifications of pathogenicity. Review status: criteria provided, conflicting classifications (1 of 4 stars). 4 submissions from 4 submitters: Uncertain significance (3); Likely benign (1). Last evaluated 2026-01-21.

Conditions:
Mucopolysaccharidosis type 6 (MPS6). Also called: N-ACETYLGALACTOSAMINE-4-SULFATASE DEFICIENCY; MPS VI; ARSB DEFICIENCY; ARYLSULFATASE B DEFICIENCY; MPS 6; Maroteaux Lamy syndrome. Identifiers: Orphanet 583, MedGen C0026709, MONDO:0009661, OMIM 253200.

Allele frequency attached by ClinVar (database versions not stated): gnomAD exomes 0.00008 and 0.00016; gnomAD 0.00009 and 0.00010; ExAC 0.00012; TOPMed 0.00015.

Submissions (4):

Labcorp Genetics (formerly Invitae), Labcorp
Classification: Likely benign for Mucopolysaccharidosis type 6. Last evaluated: 2026-01-21. Review status: criteria provided, single submitter. Criteria: Invitae Variant Classification Sherloc (09022015). Collection method: clinical testing. Allele origin: germline.

Mayo Clinic Laboratories, Mayo Clinic
Classification: Uncertain significance. Last evaluated: 2024-11-04. Review status: criteria provided, single submitter. Criteria: ACMG Guidelines, 2015. Collection method: clinical testing. Allele origin: germline. Observed: 1 variant allele.

Revvity Omics, Revvity
Classification: Uncertain significance for Mucopolysaccharidosis type 6. Last evaluated: 2023-08-24. Review status: criteria provided, single submitter. Criteria: ACMG Guidelines, 2015. Collection method: clinical testing. Allele origin: germline.

GeneDx
Classification: Uncertain significance. Last evaluated: 2020-07-01. Review status: criteria provided, single submitter. Criteria: GeneDx Variant Classification Process June 2021. Collection method: clinical testing. Allele origin: germline. Affected: yes.
Comment: In silico analysis, which includes protein predictors and evolutionary conservation, supports that this variant does not alter protein structure/function; Has not been previously published as pathogenic or benign to our knowledge

NM_000046.5(ARSB):c.914C>T (p.Thr305Ile)

Gene: ARSB (arylsulfatase B; minus strand). Cytogenetic location: 5q14.1.
Variant type: single nucleotide variant.
Coding change: c.914C>T on transcript NM_000046.5 (MANE Select); coding-DNA position 914, C replaced by T.
Protein change: p.Thr305Ile; replaces threonine 305 with isoleucine.
Molecular consequence: missense variant.
Genome position (GRCh38, 1-based): chr5:78,885,812, G>A on the plus strand (C>T on the coding strand, the complement: ARSB is on the minus strand). VCF-style: chr5-78885812-G-A. GRCh37 (hg19) VCF-style: chr5-78181635-G-A.
Other names: p.Thr305Ile; c.914C>T, p.Thr305Ile (NM_198709.3); short protein forms T305I.
Identifiers: ClinVar variation 833527 (VCV000833527.14), dbSNP rs199931771, ClinGen allele CA3318148.
Genomic context (GRCh38, chr5:78,885,812, plus strand): 5'-CCTCCTTCCCACAGGCTCCATTTTCTTCCTCGAAGGGGCCAGTTATTACCCCCTGCCAAA[G>A]TCTGCCCTCCGTTATCTGAAACACAGTAAGGTCTTGGCATGAGGATGATGTTAACTCTTA-3'
Protein context (NP_000037.2, residues 295-315): FIFSTDNGGQ[Thr305Ile]LAGGNNWPLR